The following is an entry in ClinVar:

NM_020919.4(ALS2):c.1256A>T (p.Lys419Met)

Gene: ALS2 (alsin Rho guanine nucleotide exchange factor ALS2; minus strand). Cytogenetic location: 2q33.1.
Variant type: single nucleotide variant.
Coding change: c.1256A>T on transcript NM_020919.4 (MANE Select); coding-DNA position 1256, A replaced by T.
Protein change: p.Lys419Met; replaces lysine 419 with methionine.
Molecular consequence: missense variant.
Genome position (GRCh38, 1-based): chr2:201,757,617, T>A on the plus strand (A>T on the coding strand, the complement: ALS2 is on the minus strand). VCF-style: chr2-201757617-T-A. GRCh37 (hg19) VCF-style: chr2-202622340-T-A.
Other names: short protein forms K419M.
Identifiers: ClinVar variation 1366222 (VCV001366222.8), dbSNP rs2106080408, ClinGen allele CA350326927.

ClinVar aggregate classification (germline): Uncertain significance (1 of 4 stars; one submission).

Conditions:
Infantile-onset ascending hereditary spastic paralysis (IAHSP). Also called: Autosomal Recessive Juvenile Amyotrophic Lateral Sclerosis; Infantile-Onset Ascending Hereditary Spastic Paralysis (IAHSP). Identifiers: Orphanet 293168, MedGen C2931441, MONDO:0011797, OMIM 607225. Disease mechanism: loss of function.

Submission:

Labcorp Genetics (formerly Invitae), Labcorp
Classification: Uncertain significance for Infantile-onset ascending hereditary spastic paralysis. Last evaluated: 2021-07-07. Review status: criteria provided, single submitter. Criteria: Invitae Variant Classification Sherloc (09022015). Collection method: clinical testing. Allele origin: germline.
Comment: This sequence change replaces lysine with methionine at codon 419 of the ALS2 protein (p.Lys419Met). The lysine residue is moderately conserved and there is a moderate physicochemical difference between lysine and methionine. This variant is not present in population databases (ExAC no frequency). This variant has not been reported in the literature in individuals affected with ALS2-related conditions. Algorithms developed to predict the effect of missense changes on protein structure and function are either unavailable or do not agree on the potential impact of this missense change (SIFT: "Tolerated"; PolyPhen-2: "Possibly Damaging"; Align-GVGD: "Class C0"). In summary, the available evidence is currently insufficient to determine the role of this variant in disease. Therefore, it has been classified as a Variant of Uncertain Significance.